The following is an entry in ClinVar:

ClinVar aggregate classification (germline): Uncertain significance. Review status: criteria provided, multiple submitters, no conflicts (2 of 4 stars). 2 submissions from 2 submitters: Uncertain significance (2). Last evaluated 2024-12-17.

Conditions:
Familial cancer of breast. Also called: BREAST CANCER, FAMILIAL; Hereditary breast cancer; hereditary breast carcinoma. Identifiers: Orphanet 227535, MedGen C0346153, MONDO:0016419, OMIM 114480. Disease mechanism: loss of function.
Hereditary cancer-predisposing syndrome. Also called: Neoplastic Syndromes, Hereditary; Tumor predisposition; Hereditary neoplastic syndrome; Hereditary Cancer Syndrome. Identifiers: Orphanet 140162, MedGen C0027672, MeSH D009386, MONDO:0015356.

Submissions (2):

KCCC/NGS Laboratory, Kuwait Cancer Control Center
Classification: Uncertain significance for Familial cancer of breast. Last evaluated: 2024-12-17. Review status: criteria provided, single submitter. Criteria: ACMG Guidelines, 2015. Collection method: clinical testing. Allele origin: germline. Inheritance: Autosomal dominant inheritance. Affected: yes. Observed: 1 heterozygote.
Comment: The Variant c.3546G>T located in coding exon 24 of the ATM gene, results from a G to T substitution at nucleotide position 3546. The glutamic acid at codon 1182 is replaced by aspartic acid, an amino acid with highly similar properties. This amino acid position is not well conserved (PhyloP=0.77). In addition, this alteration is predicted to be tolerated by in silico analysis. Since supporting evidence is limited at this time, the clinical significance of this alteration remains unclear. Therefore, it has been classified as a Variant of Uncertain Significance. Pathogenic mutations in the ATM gene are associated with Ataxia Telangiectasia; and increased risk of breast cancer, certain types of leukemias and lymphomas.

Ambry Genetics
Classification: Uncertain significance for Hereditary cancer-predisposing syndrome. Last evaluated: 2019-03-12. Review status: criteria provided, single submitter. Criteria: Ambry Variant Classification Scheme 2023. Collection method: clinical testing. Allele origin: germline.
Comment: The p.E1182D variant (also known as c.3546G>T), located in coding exon 23 of the ATM gene, results from a G to T substitution at nucleotide position 3546. The glutamic acid at codon 1182 is replaced by aspartic acid, an amino acid with highly similar properties. This amino acid position is not well conserved in available vertebrate species. In addition, this alteration is predicted to be tolerated by in silico analysis. Since supporting evidence is limited at this time, the clinical significance of this alteration remains unclear.

NM_000051.4(ATM):c.3546G>T (p.Glu1182Asp)

Gene: ATM (ATM serine/threonine kinase; plus strand). Cytogenetic location: 11q22.3.
Variant type: single nucleotide variant.
Coding change: c.3546G>T on transcript NM_000051.4 (MANE Select); coding-DNA position 3546, G replaced by T.
Protein change: p.Glu1182Asp; replaces glutamic acid 1182 with aspartic acid.
Molecular consequence: missense variant.
Genome position (GRCh38, 1-based): chr11:108,281,138, G>T. VCF-style: chr11-108281138-G-T. GRCh37 (hg19) VCF-style: chr11-108151865-G-T.
Other names: c.3546G>T, p.Glu1182Asp (NM_001351834.2); short protein forms E1182D.
Identifiers: ClinVar variation 823909 (VCV000823909.6), dbSNP rs1591637015, ClinGen allele CA382520358.
Genomic context (GRCh38, chr11:108,281,138, plus strand): 5'-ATCCTGTAGCCCTATCTGCGAAAAACAGGCTTTGTTTGCCCTGTGTAAATCTGTGAAAGA[G>T]AATGGATTAGAACCTCACCTTGTGAAAAAGGTATATATGGATGAGTATTTTATTAGAAGC-3'
Protein context (NP_000042.3, residues 1172-1192): ALFALCKSVK[Glu1182Asp]NGLEPHLVKK